The following is an entry in ClinVar:

ClinVar aggregate classification (germline): Uncertain significance (1 of 4 stars; one submission).

Submission:

Labcorp Genetics (formerly Invitae), Labcorp
Classification: Uncertain significance. Last evaluated: 2023-12-19. Review status: criteria provided, single submitter. Criteria: Invitae Variant Classification Sherloc (09022015). Collection method: clinical testing. Allele origin: germline.
Comment: This sequence change replaces tyrosine, which is neutral and polar, with phenylalanine, which is neutral and non-polar, at codon 282 of the BRWD3 protein (p.Tyr282Phe). Information on the frequency of this variant in the gnomAD database is not available, as this variant may be reported differently in the database. This variant has not been reported in the literature in individuals affected with BRWD3-related conditions. An algorithm developed to predict the effect of missense changes on protein structure and function (PolyPhen-2) suggests that this variant is likely to be tolerated. In summary, the available evidence is currently insufficient to determine the role of this variant in disease. Therefore, it has been classified as a Variant of Uncertain Significance.

NM_153252.5(BRWD3):c.845_846delinsTT (p.Tyr282Phe)

Gene: BRWD3 (bromodomain and WD repeat domain containing 3; minus strand). Cytogenetic location: Xq21.1.
Variant type: Indel.
Coding change: c.845_846delinsTT on transcript NM_153252.5 (MANE Select); coding-DNA positions 845 to 846, AC replaced by TT.
Protein change: p.Tyr282Phe; replaces tyrosine 282 with phenylalanine.
Molecular consequence: missense variant.
Genome position (GRCh38, 1-based): chrX:80,736,056-80,736,057, GT replaced by AA on the plus strand (AC replaced by TT on the coding strand, the reverse complement: BRWD3 is on the minus strand). VCF-style: chrX-80736056-GT-AA. GRCh37 (hg19) VCF-style: chrX-79991555-GT-AA.
Other names: short protein forms Y282F.
Identifiers: ClinVar variation 2704120 (VCV002704120.3), dbSNP rs2520422227, ClinGen allele CA2697553177.